The following is an entry in ClinVar:

NM_004525.3(LRP2):c.4273G>T (p.Gly1425Trp)

Gene: LRP2 (LDL receptor related protein 2; minus strand). Cytogenetic location: 2q31.1.
Variant type: single nucleotide variant.
Coding change: c.4273G>T on transcript NM_004525.3 (MANE Select); coding-DNA position 4273, G replaced by T.
Protein change: p.Gly1425Trp; replaces glycine 1425 with tryptophan.
Molecular consequence: missense variant.
Genome position (GRCh38, 1-based): chr2:169,239,548, C>A on the plus strand (G>T on the coding strand, the complement: LRP2 is on the minus strand). VCF-style: chr2-169239548-C-A. GRCh37 (hg19) VCF-style: chr2-170096058-C-A.
Other names: short protein forms G1425W.
Identifiers: ClinVar variation 2110321 (VCV002110321.4), dbSNP rs769227072, ClinGen allele CA1954859.
Genomic context (GRCh38, chr2:169,239,548, plus strand): 5'-ATGTGCTGATAAACTGGCTCGGGTTAGTTCAGCAATTACCTGTAACTTTGCAAGTCCTCC[C>A]ATCACTTTCTAACATGTAGCCTGTATCACACGAGCACCGGAAAGAACCTCTCATATTGTA-3'
Protein context (NP_004516.2, residues 1415-1435): CDTGYMLESD[Gly1425Trp]RTCKVTASES

ClinVar aggregate classification (germline): Uncertain significance (1 of 4 stars; one submission).

Allele frequency attached by ClinVar (database versions not stated): ExAC 0.00001.
gnomAD v4.1: 1 of 1,614,024 alleles (0.000062%); highest among the groups gnomAD compares: Non-Finnish European, 0.000085%; no homozygotes.

Submission:

Labcorp Genetics (formerly Invitae), Labcorp
Classification: Uncertain significance. Last evaluated: 2022-03-12. Review status: criteria provided, single submitter. Criteria: Invitae Variant Classification Sherloc (09022015). Collection method: clinical testing. Allele origin: germline.
Comment: Advanced modeling of protein sequence and biophysical properties (such as structural, functional, and spatial information, amino acid conservation, physicochemical variation, residue mobility, and thermodynamic stability) performed at Invitae indicates that this missense variant is expected to disrupt LRP2 protein function. In summary, the available evidence is currently insufficient to determine the role of this variant in disease. Therefore, it has been classified as a Variant of Uncertain Significance. This variant has not been reported in the literature in individuals affected with LRP2-related conditions. This variant is present in population databases (rs769227072, gnomAD 0.0009%). This sequence change replaces glycine, which is neutral and non-polar, with tryptophan, which is neutral and slightly polar, at codon 1425 of the LRP2 protein (p.Gly1425Trp).